The following is an entry in ClinVar:

NM_000168.6(GLI3):c.331A>T (p.Met111Leu)

Gene: GLI3 (GLI family zinc finger 3; minus strand). Cytogenetic location: 7p14.1.
Variant type: single nucleotide variant.
Coding change: c.331A>T on transcript NM_000168.6 (MANE Select); coding-DNA position 331, A replaced by T.
Protein change: p.Met111Leu; replaces methionine 111 with leucine.
Molecular consequence: missense variant.
Genome position (GRCh38, 1-based): chr7:42,148,262, T>A on the plus strand (A>T on the coding strand, the complement: GLI3 is on the minus strand). VCF-style: chr7-42148262-T-A. GRCh37 (hg19) VCF-style: chr7-42187861-T-A.
Other names: c.331A>T (NM_000168.5); short protein forms M111L.
Identifiers: ClinVar variation 2930253 (VCV002930253.4), dbSNP rs776441520, ClinGen allele CA157278292.

ClinVar aggregate classification (germline): Uncertain significance. Review status: criteria provided, multiple submitters, no conflicts (2 of 4 stars). 2 submissions from 2 submitters: Uncertain significance (2). Last evaluated 2025-08-22.

Conditions:
Pallister-Hall syndrome (PHS). Also called: GLI3-Related Pallister-Hall Syndrome; HYPOTHALAMIC HAMARTOBLASTOMA, HYPOPITUITARISM, IMPERFORATE ANUS, AND POSTAXIAL POLYDACTYLY. Identifiers: Orphanet 672, MedGen C0265220, MONDO:0007804, OMIM 146510.
Greig cephalopolysyndactyly syndrome (GCPS). Also called: GLI3-Related Greig Cephalopolysyndactyly Syndrome; POLYSYNDACTYLY WITH PECULIAR SKULL SHAPE; Greig syndrome. Identifiers: Orphanet 380, MedGen C0265306, MONDO:0008287, OMIM 175700.
Inborn genetic diseases. Identifiers: MedGen C0950123, MeSH D030342.

Allele frequency attached by ClinVar (database versions not stated): gnomAD 0.00001.

Submissions (2):

Ambry Genetics
Classification: Uncertain significance for Inborn genetic diseases. Last evaluated: 2025-08-22. Review status: criteria provided, single submitter. Criteria: Ambry Variant Classification Scheme 2023. Collection method: clinical testing. Allele origin: germline.

Labcorp Genetics (formerly Invitae), Labcorp
Classification: Uncertain significance for Pallister-Hall syndrome; Greig cephalopolysyndactyly syndrome. Last evaluated: 2023-11-07. Review status: criteria provided, single submitter. Criteria: Invitae Variant Classification Sherloc (09022015). Collection method: clinical testing. Allele origin: germline.
Comment: This sequence change replaces methionine, which is neutral and non-polar, with leucine, which is neutral and non-polar, at codon 111 of the GLI3 protein (p.Met111Leu). This variant is present in population databases (no rsID available, gnomAD 0.0009%). This variant has not been reported in the literature in individuals affected with GLI3-related conditions. An algorithm developed to predict the effect of missense changes on protein structure and function (PolyPhen-2) suggests that this variant is likely to be disruptive. In summary, the available evidence is currently insufficient to determine the role of this variant in disease. Therefore, it has been classified as a Variant of Uncertain Significance.